The following is an entry in ClinVar:

ClinVar aggregate classification (germline): Uncertain significance (1 of 4 stars; one submission).

Conditions:
Beckwith-Wiedemann syndrome (BWS). Also called: EMG SYNDROME; Exomphalos macroglossia gigantism syndrome. Identifiers: Orphanet 116, MedGen C0004903, MONDO:0007534, OMIM 130650.

Allele frequency attached by ClinVar (database versions not stated): gnomAD exomes below 0.00001.

Submission:

Labcorp Genetics (formerly Invitae), Labcorp
Classification: Uncertain significance for Beckwith-Wiedemann syndrome. Last evaluated: 2024-09-14. Review status: criteria provided, single submitter. Criteria: Invitae Variant Classification Sherloc (09022015). Collection method: clinical testing. Allele origin: germline.
Comment: This sequence change replaces valine, which is neutral and non-polar, with isoleucine, which is neutral and non-polar, at codon 109 of the CDKN1C protein (p.Val109Ile). This variant is not present in population databases (gnomAD no frequency). This variant has not been reported in the literature in individuals affected with CDKN1C-related conditions. ClinVar contains an entry for this variant (Variation ID: 1982121). Invitae Evidence Modeling of protein sequence and biophysical properties (such as structural, functional, and spatial information, amino acid conservation, physicochemical variation, residue mobility, and thermodynamic stability) indicates that this missense variant is not expected to disrupt CDKN1C protein function with a negative predictive value of 80%. In summary, the available evidence is currently insufficient to determine the role of this variant in disease. Therefore, it has been classified as a Variant of Uncertain Significance.

NM_001122630.2(CDKN1C):c.292G>A (p.Val98Ile)

Gene: CDKN1C (cyclin dependent kinase inhibitor 1C; minus strand). Cytogenetic location: 11p15.4.
Variant type: single nucleotide variant.
Coding change: c.292G>A on transcript NM_001122630.2 (MANE Select); coding-DNA position 292, G replaced by A.
Protein change: p.Val98Ile; replaces valine 98 with isoleucine.
Molecular consequence: missense variant. On other transcripts: intron variant (1).
Genome position (GRCh38, 1-based): chr11:2,885,165, C>T on the plus strand (G>A on the coding strand, the complement: CDKN1C is on the minus strand). VCF-style: chr11-2885165-C-T. GRCh37 (hg19) VCF-style: chr11-2906395-C-T.
Other names: c.325G>A, p.Val109Ile (NM_000076.2, NM_001362474.2); c.292G>A, p.Val98Ile (NM_001122631.2); c.255+37G>A (NM_001362475.2); short protein forms V98I, V109I.
Identifiers: ClinVar variation 1982121 (VCV001982121.4), dbSNP rs2133785299, ClinGen allele CA379146934.